The following is an entry in ClinVar:

ClinVar aggregate classification (germline): Uncertain significance (1 of 4 stars; one submission).

gnomAD v4.1: 1 of 1,614,096 alleles (0.000062%); highest among the groups gnomAD compares: African/African-American, 0.0013%; no homozygotes.

Submission:

GeneDx
Classification: Uncertain significance. Last evaluated: 2023-07-02. Review status: criteria provided, single submitter. Criteria: GeneDx Variant Classification Process June 2021. Collection method: clinical testing. Allele origin: germline. Affected: yes.
Comment: Not observed at significant frequency in large population cohorts (gnomAD); In silico analysis supports that this missense variant has a deleterious effect on protein structure/function; Has not been previously published as pathogenic or benign to our knowledge

NM_007055.4(POLR3A):c.3850A>G (p.Arg1284Gly)

Gene: POLR3A (RNA polymerase III subunit A; minus strand). Cytogenetic location: 10q22.3.
Variant type: single nucleotide variant.
Coding change: c.3850A>G on transcript NM_007055.4 (MANE Select); coding-DNA position 3850, A replaced by G.
Protein change: p.Arg1284Gly; replaces arginine 1284 with glycine.
Molecular consequence: missense variant.
Genome position (GRCh38, 1-based): chr10:77,981,469, T>C on the plus strand (A>G on the coding strand, the complement: POLR3A is on the minus strand). VCF-style: chr10-77981469-T-C. GRCh37 (hg19) VCF-style: chr10-79741227-T-C.
Other names: short protein forms R1284G.
Identifiers: ClinVar variation 3360640 (VCV003360640.1).
Genomic context (GRCh38, chr10:77,981,469, plus strand): 5'-GGGCCTCCTGCCCACATACCTTGTAGGTCATGAGGTCGGAGAGCAGCATCACGTGCCTCC[T>C]GTCGATGCTCATGCCGTGGTTCACCATGGTGTACTGGATTTCATTGATGATCGTTGTCCG-3'
Protein context (NP_008986.2, residues 1274-1294): TMVNHGMSID[Arg1284Gly]RHVMLLSDLM